The following is an entry in ClinVar:

ClinVar aggregate classification (germline): Likely benign (0 of 4 stars; one submission).

Conditions:
PLXNA3-related disorder. Also called: PLXNA3-related condition.

gnomAD v4.1: 10 of 1,205,871 alleles (0.00083%); highest among the groups gnomAD compares: Non-Finnish European, 0.0011%; no homozygotes.

Submission:

PreventionGenetics, part of Exact Sciences
Classification: Likely benign for PLXNA3-related condition. Last evaluated: 2024-02-22. Review status: no assertion criteria provided. Collection method: clinical testing. Allele origin: germline.
Comment: This variant is classified as likely benign based on ACMG/AMP sequence variant interpretation guidelines (Richards et al. 2015 PMID: 25741868, with internal and published modifications).

NM_017514.5(PLXNA3):c.1828+9G>A

Gene: PLXNA3 (plexin A3; plus strand). Cytogenetic location: Xq28.
Variant type: single nucleotide variant.
Coding change: c.1828+9G>A on transcript NM_017514.5 (MANE Select); 9 bases into the intron after coding-DNA position 1828, G replaced by A.
Molecular consequence: intron variant.
Genome position (GRCh38, 1-based): chrX:154,464,322, G>A. VCF-style: chrX-154464322-G-A. GRCh37 (hg19) VCF-style: chrX-153692665-G-A.
Identifiers: ClinVar variation 3354783 (VCV003354783.1).
Genomic context (GRCh38, chrX:154,464,322, plus strand): 5'-CTCTGCCCCTCACCCTCCCTCCAGGAGCTCCGAGCTCTTACCAGGGGGCATGGTCAGTGG[G>A]TTGGGGCTGCCCAGGATGGGGCAGAGTGGGGCCTCTCCCTACCCCCAGCGAGTTCACGGC-3'